The following is an entry in ClinVar:

ClinVar aggregate classification (germline): Uncertain significance (1 of 4 stars; one submission).

Conditions:
ABCB4-related disorder. Also called: ABCB4-related disorders; ABCB4-related condition.

Submission:

PreventionGenetics, part of Exact Sciences
Classification: Uncertain significance for ABCB4-related condition. Last evaluated: 2025-05-27. Review status: criteria provided, single submitter. Criteria: ACMG Guidelines, 2015. Collection method: clinical testing. Allele origin: germline.
Comment: The ABCB4 c.3228C>G variant is predicted to result in the amino acid substitution p.Ser1076Arg. To our knowledge, this variant has not been reported in the literature or in a large population database (gnomAD), indicating this variant is rare. Alternate missense changes at the same amino acid position (p.Ser1076Cys, p.Ser1076Asn) have been reported in the homozygous state or compound heterozygous state in multiple individuals with progressive familial intrahepatic cholestasis (see for example: Sharabati et al. 2024. PubMed ID: 40110281; Table S1, Gonzales et al. 2023. PubMed ID: 37701337; Goubran et al. 2020. PubMed ID: 33256620). Additionally, functional studies demonstrate that the p.Ser1076Cys variant impacts protein function and binding, indicating the importance of this residue (see for example: Bai et al. 2021. PubMed ID: 33842647; Supplementary Table 1, Olsen et al. 2020. PubMed ID: 31873305; Delaunay. 2017. PubMed ID: 28012258). Although we suspect that the c.3228C>G variant may be pathogenic, at this time, the clinical significance of this variant is uncertain due to the absence of conclusive functional and genetic evidence.

NM_000443.4(ABCB4):c.3228C>G (p.Ser1076Arg)

Gene: ABCB4 (ATP binding cassette subfamily B member 4; minus strand). Cytogenetic location: 7q21.12.
Variant type: single nucleotide variant.
Coding change: c.3228C>G on transcript NM_000443.4 (MANE Select); coding-DNA position 3228, C replaced by G.
Protein change: p.Ser1076Arg; replaces serine 1076 with arginine.
Molecular consequence: missense variant.
Genome position (GRCh38, 1-based): chr7:87,408,088, G>C on the plus strand (C>G on the coding strand, the complement: ABCB4 is on the minus strand). VCF-style: chr7-87408088-G-C. GRCh37 (hg19) VCF-style: chr7-87037404-G-C.
Other names: c.3228C>G, p.Ser1076Arg (NM_018849.3); c.3087C>G, p.Ser1029Arg (NM_018850.3); short protein forms S1029R, S1076R.
Identifiers: ClinVar variation 4996945 (VCV004996945.1).
Genomic context (GRCh38, chr7:87,408,088, plus strand): 5'-TGTGCTCACCACTGTCCCCGCCAAGGGGTCGTAGAACCGCTCCAGGAGCTGGACCACCGT[G>C]CTCTTCCCACAGCCACTGCTGCCCACCAGGGCTAGTGTCTGGCCTTTCTTCACCTCCAGG-3'
Protein context (NP_000434.1, residues 1066-1086): ALVGSSGCGK[Ser1076Arg]TVVQLLERFY